The following is an entry in ClinVar:

ClinVar aggregate classification (germline): Uncertain significance (1 of 4 stars; one submission).

Conditions:
Pheochromocytoma/paraganglioma syndrome 5. Also called: Paragangliomas 5; SDHA-Related Hereditary Paraganglioma-Pheochromocytoma Syndrome. Identifiers: Orphanet 29072, MedGen C3279992, MONDO:0013602, OMIM 614165.
Mitochondrial complex II deficiency, nuclear type 1. Also called: SUCCINATE CoQ REDUCTASE DEFICIENCY. Identifiers: Orphanet 3208, MedGen C5700310, MONDO:0100294, OMIM 252011.

Submission:

Labcorp Genetics (formerly Invitae), Labcorp
Classification: Uncertain significance for Pheochromocytoma/paraganglioma syndrome 5; Mitochondrial complex II deficiency, nuclear type 1. Last evaluated: 2022-02-11. Review status: criteria provided, single submitter. Criteria: Invitae Variant Classification Sherloc (09022015). Collection method: clinical testing. Allele origin: germline.
Comment: In summary, the available evidence is currently insufficient to determine the role of this variant in disease. Therefore, it has been classified as a Variant of Uncertain Significance. Advanced modeling of protein sequence and biophysical properties (such as structural, functional, and spatial information, amino acid conservation, physicochemical variation, residue mobility, and thermodynamic stability) performed at Invitae indicates that this missense variant is expected to disrupt SDHA protein function. This variant has not been reported in the literature in individuals affected with SDHA-related conditions. This variant is not present in population databases (gnomAD no frequency). This sequence change replaces glutamine, which is neutral and polar, with lysine, which is basic and polar, at codon 294 of the SDHA protein (p.Gln294Lys).

NM_004168.4(SDHA):c.880C>A (p.Gln294Lys)

Gene: SDHA (succinate dehydrogenase complex flavoprotein subunit A; plus strand). Cytogenetic location: 5p15.33.
Variant type: single nucleotide variant.
Coding change: c.880C>A on transcript NM_004168.4 (MANE Select); coding-DNA position 880, C replaced by A.
Protein change: p.Gln294Lys; replaces glutamine 294 with lysine.
Molecular consequence: missense variant.
Genome position (GRCh38, 1-based): chr5:230,985, C>A. VCF-style: chr5-230985-C-A. GRCh37 (hg19) VCF-style: chr5-231100-C-A.
Other names: c.736C>A, p.Gln246Lys (NM_001294332.2); c.880C>A, p.Gln294Lys (NM_001330758.2); short protein forms Q294K, Q246K.
Identifiers: ClinVar variation 2096823 (VCV002096823.4), dbSNP rs1560992565, ClinGen allele CA359012018.